The following is an entry in ClinVar:

ClinVar aggregate classification (germline): Uncertain significance (1 of 4 stars; one submission).

Conditions:
Severe intellectual disability-poor language-strabismus-grimacing face-long fingers syndrome (GAND). Also called: GAND SYNDROME. Identifiers: Orphanet 363686, MedGen C3554448, MONDO:0014034, OMIM 615074.

Submission:

University of Washington Department of Laboratory Medicine, University of Washington
Classification: Uncertain significance for Severe intellectual disability-poor language-strabismus-grimacing face-long fingers syndrome. Last evaluated: 2022-02-09. Review status: criteria provided, single submitter. Criteria: ACMG Guidelines, 2015. Collection method: clinical testing. Allele origin: de novo. Affected: yes.
Comment: The p.Val392Glu variant in the GATAD2B gene has not been previously reported in association with disease and was absent from large population databases, including the Genome Aggregation Database. The GATAD2B gene has fewer missense variants in the general population than expected. A low rate of missense variation may suggest that this gene is intolerant to missense variation. In silico tools predict that the p.Val392Glu variant is deleterious; however, these predictions have not been tested directly. Using ACMG guidelines, this variant was classified as a variant of uncertain significance (ACMG evidence codes used: PS2_supporting, PM2_supporting, PP2, PP3).

NM_020699.4(GATAD2B):c.1175T>A (p.Val392Glu)

Gene: GATAD2B (GATA zinc finger domain containing 2B; minus strand). Cytogenetic location: 1q21.3.
Variant type: single nucleotide variant.
Coding change: c.1175T>A on transcript NM_020699.4 (MANE Select); coding-DNA position 1175, T replaced by A.
Protein change: p.Val392Glu; replaces valine 392 with glutamic acid.
Molecular consequence: missense variant.
Genome position (GRCh38, 1-based): chr1:153,816,314, A>T on the plus strand (T>A on the coding strand, the complement: GATAD2B is on the minus strand). VCF-style: chr1-153816314-A-T. GRCh37 (hg19) VCF-style: chr1-153788790-A-T.
Other names: c.1175T>A (NM_020699.3); short protein forms V392E.
Identifiers: ClinVar variation 3777165 (VCV003777165.1).
Genomic context (GRCh38, chr1:153,816,314, plus strand): 5'-TTAGAAGAAACAGCCTTACCTTGGCTGTCAATGACACTCTGTACGACTTCTTCCAAGCCT[A>T]CCATGTAGATGAACTCGCTATTGGCTGCACTAGGCAAGAAATGAAGTAAGGGAGCAGGAG-3'
Protein context (NP_065750.1, residues 382-402): SAANSEFIYM[Val392Glu]GLEEVVQSVI